The following is an entry in ClinVar:

ClinVar aggregate classification (germline): Uncertain significance (1 of 4 stars; one submission).

Conditions:
Bloom syndrome (BLM). Also called: Bloom-Torre-Machacek syndrome. Identifiers: Orphanet 125, MedGen C0005859, MONDO:0008876, OMIM 210900.

Submission:

Labcorp Genetics (formerly Invitae), Labcorp
Classification: Uncertain significance for Bloom syndrome. Last evaluated: 2021-03-27. Review status: criteria provided, single submitter. Criteria: Invitae Variant Classification Sherloc (09022015). Collection method: clinical testing. Allele origin: germline.
Comment: In summary, the available evidence is currently insufficient to determine the role of this variant in disease. Therefore, it has been classified as a Variant of Uncertain Significance. Algorithms developed to predict the effect of missense changes on protein structure and function (SIFT, PolyPhen-2, Align-GVGD) all suggest that this variant is likely to be tolerated, but these predictions have not been confirmed by published functional studies and their clinical significance is uncertain. This variant has not been reported in the literature in individuals with BLM-related conditions. This variant is not present in population databases (ExAC no frequency). This sequence change replaces threonine with asparagine at codon 260 of the BLM protein (p.Thr260Asn). The threonine residue is weakly conserved and there is a small physicochemical difference between threonine and asparagine.

NM_000057.4(BLM):c.779C>A (p.Thr260Asn)

Gene: BLM (BLM RecQ like helicase; plus strand). Cytogenetic location: 15q26.1.
Variant type: single nucleotide variant.
Coding change: c.779C>A on transcript NM_000057.4 (MANE Select); coding-DNA position 779, C replaced by A.
Protein change: p.Thr260Asn; replaces threonine 260 with asparagine.
Molecular consequence: missense variant. On other transcripts: 5 prime UTR variant (1).
Genome position (GRCh38, 1-based): chr15:90,750,047, C>A. VCF-style: chr15-90750047-C-A. GRCh37 (hg19) VCF-style: chr15-91293277-C-A.
Other names: c.779C>A, p.Thr260Asn (NM_001287246.2, NM_001287247.2); c.-513C>A (NM_001287248.2); short protein forms T260N.
Identifiers: ClinVar variation 1382652 (VCV001382652.8), dbSNP rs2151148184, ClinGen allele CA393841544.